The following is an entry in ClinVar:

ClinVar aggregate classification (germline): Uncertain significance (1 of 4 stars; one submission).

gnomAD v4.1: 2 of 1,593,790 alleles (0.00013%); highest among the groups gnomAD compares: Non-Finnish European, 0.000085%; no homozygotes.

Submission:

Labcorp Genetics (formerly Invitae), Labcorp
Classification: Uncertain significance. Last evaluated: 2020-08-10. Review status: criteria provided, single submitter. Criteria: Invitae Variant Classification Sherloc (09022015). Collection method: clinical testing. Allele origin: germline.
Comment: This variant has not been reported in the literature in individuals with NEFH-related conditions. This variant is not present in population databases (ExAC no frequency). This sequence change replaces threonine with asparagine at codon 957 of the NEFH protein (p.Thr957Asn). The threonine residue is weakly conserved and there is a small physicochemical difference between threonine and asparagine. Advanced modeling of protein sequence and biophysical properties (such as structural, functional, and spatial information, amino acid conservation, physicochemical variation, residue mobility, and thermodynamic stability) performed at Invitae indicates that this missense variant is not expected to disrupt NEFH protein function. In summary, the available evidence is currently insufficient to determine the role of this variant in disease. Therefore, it has been classified as a Variant of Uncertain Significance.

NM_021076.4(NEFH):c.2870C>A (p.Thr957Asn)

Gene: NEFH (neurofilament heavy chain; plus strand). Cytogenetic location: 22q12.2.
Variant type: single nucleotide variant.
Coding change: c.2870C>A on transcript NM_021076.4 (MANE Select); coding-DNA position 2870, C replaced by A.
Protein change: p.Thr957Asn; replaces threonine 957 with asparagine.
Molecular consequence: missense variant.
Genome position (GRCh38, 1-based): chr22:29,490,510, C>A. VCF-style: chr22-29490510-C-A. GRCh37 (hg19) VCF-style: chr22-29886499-C-A.
Other names: short protein forms T957N.
Identifiers: ClinVar variation 1026597 (VCV001026597.8), dbSNP rs1280486804, ClinGen allele CA411138920.